The following is an entry in ClinVar:

ClinVar aggregate classification (germline): Uncertain significance (1 of 4 stars; one submission).

Conditions:
Encephalopathy, acute, infection-induced (herpes-specific), susceptibility to, 1. Also called: Herpes simplex encephalitis, susceptibility to, 1. Identifiers: Orphanet 1930, MedGen C2750180, MONDO:0024563, OMIM 610551.

Submission:

Labcorp Genetics (formerly Invitae), Labcorp
Classification: Uncertain significance for Encephalopathy, acute, infection-induced (herpes-specific), susceptibility to, 1. Last evaluated: 2018-06-29. Review status: criteria provided, single submitter. Criteria: Invitae Variant Classification Sherloc (09022015). Collection method: clinical testing. Allele origin: germline.
Comment: In summary, the available evidence is currently insufficient to determine the role of this variant in disease. Therefore, it has been classified as a Variant of Uncertain Significance. The current clinical and genetic evidence is not sufficient to establish whether loss-of-function variants in TLR3 cause disease. This variant has not been reported in the literature in individuals with TLR3-related disease. This variant is not present in population databases (ExAC no frequency). This sequence change creates a premature translational stop signal (p.Lys619Argfs*4) in the TLR3 gene. It is expected to result in an absent or disrupted protein product.

NM_003265.3(TLR3):c.1854del (p.Lys619fs)

Gene: TLR3 (toll like receptor 3; plus strand). Cytogenetic location: 4q35.1.
Variant type: Deletion.
Coding change: c.1854del on transcript NM_003265.3 (MANE Select); coding-DNA position 1854, one base deleted (G; older notation c.1854delG).
Protein change: p.Lys619fs; shifts the reading frame from lysine 619.
Molecular consequence: frameshift variant.
Genome position (GRCh38, 1-based): chr4:186,083,540, G deleted. VCF-style (leftmost placement, unchanged base first): chr4-186083539-AG-A. GRCh37 (hg19) VCF-style: chr4-187004693-AG-A.
Other names: c.1854delG (NM_003265.2); short protein forms K619fs.
Identifiers: ClinVar variation 578897 (VCV000578897.7), dbSNP rs1561372514, ClinGen allele CA891842488.